The following is an entry in ClinVar:

ClinVar aggregate classification (germline): Benign/Likely benign. Review status: criteria provided, multiple submitters, no conflicts (2 of 4 stars). 2 submissions from 2 submitters: Benign (1); Likely benign (1). Last evaluated 2025-01-23.

Conditions:
Hereditary cancer-predisposing syndrome. Also called: Neoplastic Syndromes, Hereditary; Tumor predisposition; Hereditary neoplastic syndrome; Hereditary Cancer Syndrome. Identifiers: Orphanet 140162, MedGen C0027672, MeSH D009386, MONDO:0015356.
Lynch syndrome 4 (LYNCH4). Also called: Colorectal cancer, hereditary nonpolyposis, type 4; Hereditary non-polyposis colorectal cancer, type 4. Identifiers: Orphanet 144, MedGen C1838333, MONDO:0013699, OMIM 614337. Disease mechanism: loss of function.

Submissions (2):

Myriad Genetics, Inc.
Classification: Benign for Lynch syndrome 4. Last evaluated: 2025-01-23. Review status: criteria provided, single submitter. Criteria: Myriad Autosomal Dominant, Autosomal Recessive and X-Linked Classification Criteria (2023). Collection method: clinical testing. Allele origin: unknown.
Comment: This variant is considered benign. This variant is a silent/synonymous amino acid change and it is not expected to impact splicing.

Ambry Genetics
Classification: Likely benign for Hereditary cancer-predisposing syndrome. Last evaluated: 2024-03-11. Review status: criteria provided, single submitter. Criteria: Ambry Variant Classification Scheme 2023. Collection method: clinical testing. Allele origin: germline.

NM_000535.7(PMS2):c.225A>G (p.Val75=)

Gene: PMS2 (PMS1 homolog 2, mismatch repair system component; minus strand). Cytogenetic location: 7p22.1.
Variant type: single nucleotide variant.
Coding change: c.225A>G on transcript NM_000535.7 (MANE Select); coding-DNA position 225, A replaced by G.
Protein change: p.Val75=; no amino-acid change (valine 75 retained).
Molecular consequence: synonymous variant. On other transcripts: 5 prime UTR variant (37), missense variant (7), non-coding transcript variant (1), intron variant (1).
Genome position (GRCh38, 1-based): chr7:6,003,997, T>C on the plus strand (A>G on the coding strand, the complement: PMS2 is on the minus strand). VCF-style: chr7-6003997-T-C. GRCh37 (hg19) VCF-style: chr7-6043628-T-C.
Other names: c.-181A>G (NM_001018040.1, NM_001322003.2, NM_001322004.2 and 14 more transcripts); c.225A>G, p.Val75= (NM_001322006.2, NM_001322014.2, NM_001406868.1 and 10 more transcripts); c.10A>G, p.Arg4Gly (NM_001322007.2, NM_001322008.2, NM_001406876.1 and 4 more transcripts); c.-660A>G (NM_001322011.2, NM_001322012.2); c.-260A>G (NM_001322015.2, NM_001406875.1, NM_001406877.1 and 3 more transcripts); c.411A>G, p.Val137= (NM_001406866.1); c.-207A>G (NM_001406880.1); c.-157A>G (NM_001406881.1, NM_001406900.1); and 3 more; short protein forms R4G.
Identifiers: ClinVar variation 3232009 (VCV003232009.2), dbSNP rs2128829651, ClinGen allele CA366744806.